The following is an entry in ClinVar:

NM_203290.4(POLR1C):c.389AAG[1] (p.Glu131del)

Gene: POLR1C (RNA polymerase I and III subunit C; plus strand). Cytogenetic location: 6p21.1.
Variant type: Microsatellite.
Coding change: c.389AAG[1] on transcript NM_203290.4 (MANE Select); one copy of the 3-base unit AAG starting at c.389; the reference has two copies in a row; one copy, 3 bases deleted; also written c.392_394del.
Protein change: p.Glu131del; deletes glutamic acid 131.
Molecular consequence: inframe deletion.
Genome position (GRCh38, 1-based): chr6:43,520,075-43,520,077, AAG deleted; deleting any 3 consecutive bases within chr6:43,520,071-43,520,077 gives the same sequence; the position shown is the placement nearest the transcript's 3' end. VCF-style (leftmost placement, unchanged base first): chr6-43520070-TGAA-T. GRCh37 (hg19) VCF-style: chr6-43487808-TGAA-T.
Other names: c.389AAG[1], p.Glu131del (NM_001318876.2, NM_001363658.2); c.392_394del (NM_203290.4); short protein forms E131del.
Identifiers: ClinVar variation 4884003 (VCV004884003.2).

ClinVar aggregate classification (germline): Uncertain significance (1 of 4 stars; one submission).

Submission:

Dasa
Classification: Uncertain significance. Last evaluated: 2026-02-16. Review status: criteria provided, single submitter. Criteria: DASA Assertion Criteria. Collection method: clinical testing. Allele origin: germline.
Comment: NM_203290.4(POLR1C):c.392_394del (p.Glu131del) is an in-frame deletion predicted to remove glutamic acid at protein position 131 without shifting the reading frame. This variant is rare in population databases. The currently available literature and clinical evidence are not sufficient to establish a definitive association between this variant and the reported condition. Therefore, this variant is classified as a variant of uncertain significance.